The following is an entry in ClinVar:

ClinVar aggregate classification (germline): Benign (1 of 4 stars; one submission).

Conditions:
Charcot-Marie-Tooth disease type 1C. Also called: CHARCOT-MARIE-TOOTH DISEASE, DEMYELINATING, TYPE 1C; CMT, SLOW NERVE CONDUCTION TYPE C; HMSN IC; Charcot-Marie-Tooth disease, type IC; CHARCOT-MARIE-TOOTH NEUROPATHY, TYPE 1C; NEUROPATHY, HEREDITARY MOTOR AND SENSORY, TYPE IC. Identifiers: Orphanet 101083, MedGen C0270913, MONDO:0010995, OMIM 601098.

Allele frequency attached by ClinVar (database versions not stated): gnomAD exomes 0.00555 and 0.00816; 1000 Genomes Project 0.03335; gnomAD 0.03222 and 0.03432; TOPMed 0.03642; 1000 Genomes Project 30x 0.03716; ExAC 0.00391.
gnomAD v4.1: 6,557 of 450,504 alleles (1.5%); highest among the groups gnomAD compares: African/African-American, 11%; 302 homozygotes.

Submission:

Illumina Laboratory Services, Illumina
Classification: Benign for Charcot-Marie-Tooth disease type 1C. Last evaluated: 2018-01-12. Review status: criteria provided, single submitter. Criteria: ICSL Variant Classification Criteria 13 December 2019. Collection method: clinical testing. Allele origin: germline.
Comment: This variant was observed in the ICSL laboratory as part of a predisposition screen in an ostensibly healthy population. It had not been previously curated by ICSL or reported in the Human Gene Mutation Database (HGMD: prior to June 1st, 2018), and was therefore a candidate for classification through an automated scoring system. Utilizing variant allele frequency, disease prevalence and penetrance estimates, and inheritance mode, an automated score was calculated to assess if this variant is too frequent to cause the disease. Based on the score and internal cut-off values, a variant classified as benign is not then subjected to further curation. The score for this variant resulted in a classification of benign for this disease.

NM_001136472.2(LITAF):c.*816T>A

Gene: LITAF (lipopolysaccharide induced TNF factor; minus strand). Cytogenetic location: 16p13.13.
Variant type: single nucleotide variant.
Coding change: c.*816T>A on transcript NM_001136472.2 (MANE Select); 816 bases downstream of the stop codon, T replaced by A.
Molecular consequence: 3 prime UTR variant. On other transcripts: non-coding transcript variant (1).
Genome position (GRCh38, 1-based): chr16:11,548,821, A>T on the plus strand (T>A on the coding strand, the complement: LITAF is on the minus strand). VCF-style: chr16-11548821-A-T. GRCh37 (hg19) VCF-style: chr16-11642677-A-T.
Other names: c.*941T>A (NM_001136473.1); c.*816T>A (NM_004862.4).
Identifiers: ClinVar variation 317764 (VCV000317764.5), dbSNP rs7187810, ClinGen allele CA7903931.